The following is an entry in ClinVar:

NM_133443.4(GPT2):c.225CGAGCT[3] (p.76EL[3])

Gene: GPT2 (glutamic--pyruvic transaminase 2; plus strand). Cytogenetic location: 16q11.2.
Variant type: Microsatellite.
Coding change: c.225CGAGCT[3] on transcript NM_133443.4 (MANE Select); three copies in a row of the 6-base unit CGAGCT starting at c.225; the reference has two copies in a row; one copy, 6 bases duplicated.
Protein change: p.76EL[3].
Molecular consequence: inframe insertion. On other transcripts: 5 prime UTR variant (1).
Genome position (GRCh38, 1-based): chr16:46,884,946-46,884,951, CGAGCT duplicated; duplicating any 6 consecutive bases within chr16:46,884,939-46,884,951 gives the same sequence; the position shown is the placement nearest the transcript's 3' end. VCF-style (leftmost placement, unchanged base first): chr16-46884938-A-ATCGAGC. GRCh37 (hg19) VCF-style: chr16-46918850-A-ATCGAGC.
Other names: c.-560CGAGCT[3] (NM_001142466.3).
Identifiers: ClinVar variation 1328699 (VCV001328699.2), dbSNP rs1292166716, ClinGen allele CA622657549.
Genomic context (GRCh38, chr16:46,884,938, plus strand): 5'-CCGCAGGTGAAGGCGGTGGAGTACGCCGTGCGGGGACCCATCGTGCTCAAGGCCGGCGAG[A>ATCGAGC]TCGAGCTCGAGCTGCAGCGGGTGAGCGCGCGCTGGGCCCCGGGGAGGCTGGGGCCGCTGA-3'

ClinVar aggregate classification (germline): Uncertain significance (1 of 4 stars; one submission).

Submission:

GeneDx
Classification: Uncertain significance. Last evaluated: 2021-06-18. Review status: criteria provided, single submitter. Criteria: GeneDx Variant Classification Process June 2021. Collection method: clinical testing. Allele origin: germline. Affected: yes.
Comment: Not observed at significant frequency in large population cohorts (Lek et al., 2016); In-frame insertion of 2 amino acids in a non-repeat region; Has not been previously published as pathogenic or benign to our knowledge; This variant is associated with the following publications: (PMID: 27535533)